The following is an entry in ClinVar:

ClinVar aggregate classification (germline): Benign. Review status: criteria provided, multiple submitters, no conflicts (2 of 4 stars). 3 submissions from 3 submitters: Benign (3). Last evaluated 2019-07-11.

Conditions:
Cone dystrophy with supernormal rod response (CDSRR). Also called: CONE DYSTROPHY WITH SUPERNORMAL ROD RESPONSES. Identifiers: Orphanet 209932, MedGen C1835897, MONDO:0012475, OMIM 610356.

Allele frequency attached by ClinVar (database versions not stated): gnomAD exomes 0.57042 and 0.61887; ESP Exome Variant Server 0.58973; gnomAD 0.60151; ExAC 0.61264; TOPMed 0.62478; 1000 Genomes Project 30x 0.67083; 1000 Genomes Project 0.67192.
gnomAD v4.1: 926,983 of 1,613,100 alleles (57%); highest among the groups gnomAD compares: East Asian, 82%; 270,065 homozygotes.

Submissions (3):

GeneDx
Classification: Benign. Last evaluated: 2019-07-11. Review status: criteria provided, single submitter. Criteria: GeneDx Variant Classification Process June 2021. Collection method: clinical testing. Allele origin: germline. Affected: yes.

Illumina Laboratory Services, Illumina
Classification: Benign for Cone dystrophy with supernormal rod response. Last evaluated: 2018-01-13. Review status: criteria provided, single submitter. Criteria: ICSL Variant Classification Criteria 13 December 2019. Collection method: clinical testing. Allele origin: germline.
Comment: This variant was observed in the ICSL laboratory as part of a predisposition screen in an ostensibly healthy population. It had not been previously curated by ICSL or reported in the Human Gene Mutation Database (HGMD: prior to June 1st, 2018), and was therefore a candidate for classification through an automated scoring system. Utilizing variant allele frequency, disease prevalence and penetrance estimates, and inheritance mode, an automated score was calculated to assess if this variant is too frequent to cause the disease. Based on the score and internal cut-off values, a variant classified as benign is not then subjected to further curation. The score for this variant resulted in a classification of benign for this disease.

Breakthrough Genomics
Classification: Benign. Review status: criteria provided, single submitter. Criteria: ACMG Guidelines, 2015. Collection method: not provided. Allele origin: germline. Inheritance: Autosomal recessive inheritance. Affected: yes.

NM_133497.4(KCNV2):c.-42C>G

Gene: KCNV2 (potassium voltage-gated channel modifier subfamily V member 2; plus strand). Cytogenetic location: 9p24.2.
Variant type: single nucleotide variant.
Coding change: c.-42C>G on transcript NM_133497.4 (MANE Select); 42 bases upstream of the start codon, C replaced by G.
Molecular consequence: 5 prime UTR variant.
Genome position (GRCh38, 1-based): chr9:2,717,698, C>G. VCF-style: chr9-2717698-C-G. GRCh37 (hg19) VCF-style: chr9-2717698-C-G.
Identifiers: ClinVar variation 366403 (VCV000366403.8), dbSNP rs7029012, ClinGen allele CA4965270.
Genomic context (GRCh38, chr9:2,717,698, plus strand): 5'-GACAGTGCAGGCCACGTGATCCATCCTCCTAGAGGCAGTGAGCAGGTGAGGGACCCCTAC[C>G]ACAGCCAGGAGGAAAAAGCTAGGCGTCCACTTTCCGCAGCCATGCTCAAACAGAGTGAGA-3'